The following is an entry in ClinVar:

ClinVar aggregate classification (germline): Uncertain significance (1 of 4 stars; one submission).

Conditions:
Mucopolysaccharidosis, MPS-IV-A (MPS4A). Also called: Mucopolysaccharidosis Type IVA; GALACTOSAMINE-6-SULFATASE DEFICIENCY; GALNS DEFICIENCY; MORQUIO A DISEASE; MPS IVA; Morquio syndrome A, mild. Identifiers: Orphanet 309297, Orphanet 582, MedGen C0086651, MONDO:0009659, OMIM 253000.

Submission:

Labcorp Genetics (formerly Invitae), Labcorp
Classification: Uncertain significance for Mucopolysaccharidosis, MPS-IV-A. Last evaluated: 2018-05-23. Review status: criteria provided, single submitter. Criteria: Invitae Variant Classification Sherloc (09022015). Collection method: clinical testing. Allele origin: germline.
Comment: In summary, the available evidence is currently insufficient to determine the role of this variant in disease. Therefore, it has been classified as a Variant of Uncertain Significance. Algorithms developed to predict the effect of missense changes on protein structure and function are either unavailable or do not agree on the potential impact of this missense change (SIFT: "Deleterious"; PolyPhen-2: "Probably Damaging"; Align-GVGD: "Class C15"). This variant has not been reported in the literature in individuals with GALNS-related disease. This variant is not present in population databases (ExAC no frequency). This sequence change replaces cysteine with tryptophan at codon 308 of the GALNS protein (p.Cys308Trp). The cysteine residue is highly conserved and there is a large physicochemical difference between cysteine and tryptophan.

NM_000512.5(GALNS):c.924T>G (p.Cys308Trp)

Gene: GALNS (galactosamine (N-acetyl)-6-sulfatase; minus strand). Cytogenetic location: 16q24.3.
Variant type: single nucleotide variant.
Coding change: c.924T>G on transcript NM_000512.5 (MANE Select); coding-DNA position 924, T replaced by G.
Protein change: p.Cys308Trp; replaces cysteine 308 with tryptophan.
Molecular consequence: missense variant.
Genome position (GRCh38, 1-based): chr16:88,832,076, A>C on the plus strand (T>G on the coding strand, the complement: GALNS is on the minus strand). VCF-style: chr16-88832076-A-C. GRCh37 (hg19) VCF-style: chr16-88898484-A-C.
Other names: c.369T>G, p.Cys123Trp (NM_001323543.2); c.942T>G, p.Cys314Trp (NM_001323544.2); short protein forms C308W, C314W, C123W.
Identifiers: ClinVar variation 566515 (VCV000566515.8), dbSNP rs1567526988, ClinGen allele CA397101390.